The following is an entry in ClinVar:

NM_005909.5(MAP1B):c.2929A>G (p.Ser977Gly)

Gene: MAP1B (microtubule associated protein 1B; plus strand). Cytogenetic location: 5q13.2.
Variant type: single nucleotide variant.
Coding change: c.2929A>G on transcript NM_005909.5 (MANE Select); coding-DNA position 2929, A replaced by G.
Protein change: p.Ser977Gly; replaces serine 977 with glycine.
Molecular consequence: missense variant.
Genome position (GRCh38, 1-based): chr5:72,196,284, A>G. VCF-style: chr5-72196284-A-G. GRCh37 (hg19) VCF-style: chr5-71492111-A-G.
Other names: NC_000005.9:g.71492111A>G; c.2929A>G (NM_005909.3); c.2551A>G, p.Ser851Gly (NM_001324255.2); short protein forms S851G, S977G.
Identifiers: ClinVar variation 3032431 (VCV003032431.4), dbSNP rs145042509, ClinGen allele CA3298910.
Genomic context (GRCh38, chr5:72,196,284, plus strand): 5'-GATGGGGAGGAACACGTATGTGTGAGCGCCTCCAAGCACAGCCCCACTGAGGATGAGGAA[A>G]GTGCCAAGGCGGAGGCTGATGCATACATCAGGGAGAAGAGGGAGTCTGTGGCCAGTGGGG-3'
Protein context (NP_005900.2, residues 967-987): SKHSPTEDEE[Ser977Gly]AKAEADAYIR

ClinVar aggregate classification (germline): Likely benign. Review status: criteria provided, single submitter (1 of 4 stars). 2 submissions from 2 submitters: Likely benign (1). 1 of the submissions does not count toward it. Last evaluated 2025-08-27.

Conditions:
MAP1B-related disorder. Also called: MAP1B-related condition.
Inborn genetic diseases. Identifiers: MedGen C0950123, MeSH D030342.

Allele frequency attached by ClinVar (database versions not stated): gnomAD exomes 0.00005; 1000 Genomes Project 30x 0.00016; 1000 Genomes Project 0.00020; ExAC 0.00031; ESP Exome Variant Server 0.00031; gnomAD 0.00038; TOPMed 0.00049.
gnomAD v4.1: 128 of 1,614,090 alleles (0.0079%); highest among the groups gnomAD compares: African/African-American, 0.13%; 1 homozygote.

Submissions (3):

Ambry Genetics
Classification: Likely benign for Inborn genetic diseases. Last evaluated: 2025-08-27. Review status: criteria provided, single submitter. Criteria: Ambry Variant Classification Scheme 2023. Collection method: clinical testing. Allele origin: germline.

PreventionGenetics, part of Exact Sciences
Classification: Likely benign for MAP1B-related condition. Last evaluated: 2023-09-13. Review status: no assertion criteria provided. Collection method: clinical testing. Allele origin: germline. Not counted in ClinVar's aggregate classification.
Comment: This variant is classified as likely benign based on ACMG/AMP sequence variant interpretation guidelines (Richards et al. 2015 PMID: 25741868, with internal and published modifications).

Dr. Peter K. Rogan Lab, Western University
No classification provided (evidence only). Condition: Familial cancer of breast. Review status: no classification provided. Collection method: in vitro. Allele origin: not applicable. Functional consequence: retained intron. Not counted in ClinVar's aggregate classification.